The following is an entry in ClinVar:

NM_004336.5(BUB1):c.2561C>A (p.Ser854Tyr)

Gene: BUB1 (BUB1 mitotic checkpoint serine/threonine kinase; minus strand). Cytogenetic location: 2q13.
Variant type: single nucleotide variant.
Coding change: c.2561C>A on transcript NM_004336.5 (MANE Select); coding-DNA position 2561, C replaced by A.
Protein change: p.Ser854Tyr; replaces serine 854 with tyrosine.
Molecular consequence: missense variant.
Genome position (GRCh38, 1-based): chr2:110,641,706, G>T on the plus strand (C>A on the coding strand, the complement: BUB1 is on the minus strand). VCF-style: chr2-110641706-G-T. GRCh37 (hg19) VCF-style: chr2-111399283-G-T.
Other names: c.2501C>A, p.Ser834Tyr (NM_001278616.2); c.2561C>A, p.Ser854Tyr (NM_001278617.2); short protein forms S834Y, S854Y.
Identifiers: ClinVar variation 2451271 (VCV002451271.4), dbSNP rs763534753, ClinGen allele CA348090312.

ClinVar aggregate classification (germline): Uncertain significance. Review status: criteria provided, multiple submitters, no conflicts (2 of 4 stars). 2 submissions from 2 submitters: Uncertain significance (2). Last evaluated 2024-10-01.

Allele frequency attached by ClinVar (database versions not stated): gnomAD exomes below 0.00001; TOPMed below 0.00001; gnomAD 0.00001.

Submissions (2):

Labcorp Genetics (formerly Invitae), Labcorp
Classification: Uncertain significance. Last evaluated: 2024-10-01. Review status: criteria provided, single submitter. Criteria: Invitae Variant Classification Sherloc (09022015). Collection method: clinical testing. Allele origin: germline.
Comment: This sequence change replaces serine, which is neutral and polar, with tyrosine, which is neutral and polar, at codon 854 of the BUB1 protein (p.Ser854Tyr). This variant is not present in population databases (gnomAD no frequency). This variant has not been reported in the literature in individuals affected with BUB1-related conditions. ClinVar contains an entry for this variant (Variation ID: 2451271). Experimental studies and prediction algorithms are not available or were not evaluated, and the functional significance of this variant is currently unknown. In summary, the available evidence is currently insufficient to determine the role of this variant in disease. Therefore, it has been classified as a Variant of Uncertain Significance.

Ambry Genetics
Classification: Uncertain significance. Last evaluated: 2023-02-15. Review status: criteria provided, single submitter. Criteria: Ambry Variant Classification Scheme 2023. Collection method: clinical testing. Allele origin: germline.
Comment: The p.S854Y variant (also known as c.2561C>A), located in coding exon 21 of the BUB1 gene, results from a C to A substitution at nucleotide position 2561. The serine at codon 854 is replaced by tyrosine, an amino acid with dissimilar properties. This amino acid position is conserved. In addition, the in silico prediction for this alteration is inconclusive. Since supporting evidence is limited at this time, the clinical significance of this alteration remains unclear.